The following is an entry in ClinVar:

ClinVar aggregate classification (germline): Likely pathogenic (1 of 4 stars; one submission).

Conditions:
Donnai-Barrow syndrome. Also called: DBS/FOAR SYNDROME; FACIOOCULOACOUSTICORENAL SYNDROME. Identifiers: Orphanet 2143, MedGen C1857277, MONDO:0009104, OMIM 222448.

Submission:

Laboratorio de Genetica e Diagnostico Molecular, Hospital Israelita Albert Einstein
Classification: Likely pathogenic for Donnai-Barrow syndrome. Last evaluated: 2024-03-15. Review status: criteria provided, single submitter. Criteria: ACMG Guidelines, 2015. Collection method: clinical testing. Allele origin: germline. Affected: yes.
Comment: ACMG classification criteria: PVS1 very strong, PM2 supporting

NM_004525.3(LRP2):c.7965_7966del (p.Cys2655_Glu2656delinsTer)

Gene: LRP2 (LDL receptor related protein 2; minus strand). Cytogenetic location: 2q31.1.
Variant type: Microsatellite.
Coding change: c.7965_7966del on transcript NM_004525.3 (MANE Select); coding-DNA positions 7965 to 7966, 2 bases deleted (TG; older notation c.7965_7966delTG).
Protein change: p.Cys2655_Glu2656delinsTer.
Molecular consequence: nonsense.
Genome position (GRCh38, 1-based): chr2:169,204,021-169,204,022, CA deleted on the plus strand (TG on the coding strand, the reverse complement: LRP2 is on the minus strand); deleting any 2 consecutive bases within chr2:169,204,021-169,204,024 gives the same sequence; the c. name uses the placement nearest the transcript's 3' end. VCF-style (leftmost placement, unchanged base first): chr2-169204020-TCA-T. GRCh37 (hg19) VCF-style: chr2-170060530-TCA-T.
Identifiers: ClinVar variation 4056586 (VCV004056586.1).